The following is an entry in ClinVar:

ClinVar aggregate classification (germline): Uncertain significance (1 of 4 stars; one submission).

Conditions:
Macular corneal dystrophy (MCD). Also called: Macular corneal dystrophy Type I; GROENOUW TYPE II CORNEAL DYSTROPHY. Identifiers: Orphanet 98969, MedGen C1636149, MONDO:0009020, OMIM 217800.

gnomAD v4.1: 4 of 1,612,872 alleles (0.00025%); highest among the groups gnomAD compares: Non-Finnish European, 0.00034%; no homozygotes.

Submission:

Labcorp Genetics (formerly Invitae), Labcorp
Classification: Uncertain significance for Macular corneal dystrophy. Last evaluated: 2022-12-03. Review status: criteria provided, single submitter. Criteria: Invitae Variant Classification Sherloc (09022015). Collection method: clinical testing. Allele origin: germline.
Comment: Advanced modeling of protein sequence and biophysical properties (such as structural, functional, and spatial information, amino acid conservation, physicochemical variation, residue mobility, and thermodynamic stability) performed at Invitae indicates that this missense variant is not expected to disrupt CHST6 protein function. ClinVar contains an entry for this variant (Variation ID: 1365779). This variant has not been reported in the literature in individuals affected with CHST6-related conditions. This variant is not present in population databases (gnomAD no frequency). This sequence change replaces aspartic acid, which is acidic and polar, with asparagine, which is neutral and polar, at codon 103 of the CHST6 protein (p.Asp103Asn). In summary, the available evidence is currently insufficient to determine the role of this variant in disease. Therefore, it has been classified as a Variant of Uncertain Significance.

NM_021615.5(CHST6):c.307G>A (p.Asp103Asn)

Gene: CHST6 (carbohydrate sulfotransferase 6; minus strand). Cytogenetic location: 16q23.1.
Variant type: single nucleotide variant.
Coding change: c.307G>A on transcript NM_021615.5 (MANE Select); coding-DNA position 307, G replaced by A.
Protein change: p.Asp103Asn; replaces aspartic acid 103 with asparagine.
Molecular consequence: missense variant.
Genome position (GRCh38, 1-based): chr16:75,479,522, C>T on the plus strand (G>A on the coding strand, the complement: CHST6 is on the minus strand). VCF-style: chr16-75479522-C-T. GRCh37 (hg19) VCF-style: chr16-75513420-C-T.
Other names: short protein forms D103N.
Identifiers: ClinVar variation 1365779 (VCV001365779.8), dbSNP rs2151666243, ClinGen allele CA396793135.